The following is an entry in ClinVar:

NM_182914.3(SYNE2):c.4849G>A (p.Glu1617Lys)

Gene: SYNE2 (spectrin repeat containing nuclear envelope protein 2; plus strand). Cytogenetic location: 14q23.2.
Variant type: single nucleotide variant.
Coding change: c.4849G>A on transcript NM_182914.3 (MANE Select); coding-DNA position 4849, G replaced by A.
Protein change: p.Glu1617Lys; replaces glutamic acid 1617 with lysine.
Molecular consequence: missense variant.
Genome position (GRCh38, 1-based): chr14:64,016,593, G>A. VCF-style: chr14-64016593-G-A. GRCh37 (hg19) VCF-style: chr14-64483311-G-A.
Other names: c.4849G>A, p.Glu1617Lys (NM_015180.6); short protein forms E1617K.
Identifiers: ClinVar variation 654433 (VCV000654433.9), dbSNP rs780380973, ClinGen allele CA7220320.
Genomic context (GRCh38, chr14:64,016,593, plus strand): 5'-GTCTGCAAAAATCTACAATTTTATCTAAATAAAATGAAAACTTTTGAAGAGCCCCCTTTT[G>A]AAAAAGAGGCTAATATTATTGTGGATAGATGGCTTGATGTAAGTGATAATTTCATTGATT-3'
Protein context (NP_878918.2, residues 1607-1627): KMKTFEEPPF[Glu1617Lys]KEANIIVDRW

ClinVar aggregate classification (germline): Uncertain significance. Review status: criteria provided, multiple submitters, no conflicts (2 of 4 stars). 2 submissions from 2 submitters: Uncertain significance (2). Last evaluated 2023-07-31.

Conditions:
Emery-Dreifuss muscular dystrophy 5, autosomal dominant (EDMD5). Also called: EMERY-DREIFUSS MUSCULAR DYSTROPHY 5. Identifiers: Orphanet 261, MedGen C2751805, MONDO:0013072, OMIM 612999.

Allele frequency attached by ClinVar (database versions not stated): TOPMed 0.00002; gnomAD exomes 0.00001 and 0.00004; ExAC 0.00002.
gnomAD v4.1: 53 of 1,599,588 alleles (0.0033%); highest among the groups gnomAD compares: Non-Finnish European, 0.0043%; no homozygotes.

Submissions (2):

Labcorp Genetics (formerly Invitae), Labcorp
Classification: Uncertain significance for Emery-Dreifuss muscular dystrophy 5, autosomal dominant. Last evaluated: 2023-07-31. Review status: criteria provided, single submitter. Criteria: Invitae Variant Classification Sherloc (09022015). Collection method: clinical testing. Allele origin: germline.
Comment: ClinVar contains an entry for this variant (Variation ID: 654433). In summary, the available evidence is currently insufficient to determine the role of this variant in disease. Therefore, it has been classified as a Variant of Uncertain Significance. An algorithm developed to predict the effect of missense changes on protein structure and function (PolyPhen-2) suggests that this variant is likely to be disruptive. This variant has not been reported in the literature in individuals affected with SYNE2-related conditions. This variant is present in population databases (rs780380973, gnomAD 0.003%). This sequence change replaces glutamic acid, which is acidic and polar, with lysine, which is basic and polar, at codon 1617 of the SYNE2 protein (p.Glu1617Lys).

Ambry Genetics
Classification: Uncertain significance. Last evaluated: 2022-11-21. Review status: criteria provided, single submitter. Criteria: Ambry Variant Classification Scheme 2023. Collection method: clinical testing. Allele origin: germline.